The following is an entry in ClinVar:

NM_000179.3(MSH6):c.1387G>T (p.Glu463Ter)

Gene: MSH6 (mutS homolog 6; plus strand). Cytogenetic location: 2p16.3.
Variant type: single nucleotide variant.
Coding change: c.1387G>T on transcript NM_000179.3 (MANE Select); coding-DNA position 1387, G replaced by T.
Protein change: p.Glu463Ter; replaces glutamic acid 463 with a stop codon.
Molecular consequence: nonsense.
Genome position (GRCh38, 1-based): chr2:47,799,370, G>T. VCF-style: chr2-47799370-G-T. GRCh37 (hg19) VCF-style: chr2-48026509-G-T.
Other names: c.997G>T, p.Glu333Ter (NM_001281492.2); c.481G>T, p.Glu161Ter (NM_001281493.2, NM_001281494.2); short protein forms E463*, E161*, E333*.
Identifiers: ClinVar variation 220241 (VCV000220241.18), dbSNP rs864622435, ClinGen allele CA350847.
Genomic context (GRCh38, chr2:47,799,370, plus strand): 5'-GGAGTCAGTGAACTGGGGCTGGTATTCATGAAAGGCAACTGGGCCCATTCTGGCTTTCCT[G>T]AAATTGCATTTGGCCGTTATTCAGATTCCCTGGTGCAGAAGGGCTATAAAGTAGCACGAG-3'

ClinVar aggregate classification (germline): Pathogenic. Review status: criteria provided, multiple submitters, no conflicts (2 of 4 stars). 4 submissions from 4 submitters: Pathogenic (4). Last evaluated 2025-08-19.

Conditions:
Hereditary nonpolyposis colorectal neoplasms. Identifiers: MedGen C0009405, MeSH D003123.
Hereditary cancer-predisposing syndrome. Also called: Hereditary neoplastic syndrome; Tumor predisposition; Hereditary Cancer Syndrome; Neoplastic Syndromes, Hereditary. Identifiers: Orphanet 140162, MedGen C0027672, MeSH D009386, MONDO:0015356.
Lynch syndrome 5 (LYNCH5). Also called: Colorectal cancer, hereditary nonpolyposis, type 5; Hereditary non-polyposis colorectal cancer, type 5. Identifiers: Orphanet 144, MedGen C1833477, MONDO:0013710, OMIM 614350. Disease mechanism: loss of function.

Submissions (4):

Color Diagnostics, LLC DBA Color Health
Classification: Pathogenic for Hereditary cancer-predisposing syndrome. Last evaluated: 2025-08-19. Review status: criteria provided, single submitter. Criteria: ACMG Guidelines, 2015. Collection method: clinical testing. Allele origin: germline.
Comment: This variant changes 1 nucleotide in exon 4/10 of the MSH6 gene, creating a premature translation stop signal. This variant is expected to result in an absent or non-functional protein product. To our knowledge, this variant has not been reported in individuals affected with MSH6-related disorders in the literature. This variant has not been identified in the general population by the Genome Aggregation Database (gnomAD). Loss of MSH6 function is a known mechanism of disease. Based on the available evidence, this variant is classified as Pathogenic.

Labcorp Genetics (formerly Invitae), Labcorp
Classification: Pathogenic for Hereditary nonpolyposis colorectal neoplasms. Last evaluated: 2025-03-30. Review status: criteria provided, single submitter. Criteria: Invitae Variant Classification Sherloc (09022015). Collection method: clinical testing. Allele origin: germline.
Comment: This sequence change creates a premature translational stop signal (p.Glu463*) in the MSH6 gene. It is expected to result in an absent or disrupted protein product. Loss-of-function variants in MSH6 are known to be pathogenic (PMID: 18269114, 24362816). This variant is not present in population databases (gnomAD no frequency). This variant has not been reported in the literature in individuals affected with MSH6-related conditions. ClinVar contains an entry for this variant (Variation ID: 220241). For these reasons, this variant has been classified as Pathogenic.

Myriad Genetics, Inc.
Classification: Pathogenic for Lynch syndrome 5. Last evaluated: 2023-08-14. Review status: criteria provided, single submitter. Criteria: Myriad Autosomal Dominant, Autosomal Recessive and X-Linked Classification Criteria (2023). Collection method: clinical testing. Allele origin: unknown.
Comment: This variant is considered pathogenic. This variant creates a termination codon and is predicted to result in premature protein truncation.

Ambry Genetics
Classification: Pathogenic for Hereditary cancer-predisposing syndrome. Last evaluated: 2023-02-13. Review status: criteria provided, single submitter. Criteria: Ambry Variant Classification Scheme 2023. Collection method: clinical testing. Allele origin: germline.
Comment: The p.E463* pathogenic mutation (also known as c.1387G>T), located in coding exon 4 of the MSH6 gene, results from a G to T substitution at nucleotide position 1387. This changes the amino acid from a glutamic acid to a stop codon within coding exon 4. This variant is considered to be rare based on population cohorts in the Genome Aggregation Database (gnomAD). This alteration is expected to result in loss of function by premature protein truncation or nonsense-mediated mRNA decay. As such, this alteration is interpreted as a disease-causing mutation.

Literature cited by the submitters: PubMed 18269114 (cited by Labcorp Genetics (formerly Invitae), Labcorp); PubMed 24362816 (cited by Labcorp Genetics (formerly Invitae), Labcorp).